The following is an entry in ClinVar:

NM_014611.3(MDN1):c.10380C>T (p.Cys3460=)

Gene: MDN1 (midasin AAA ATPase 1; minus strand). Cytogenetic location: 6q15.
Variant type: single nucleotide variant.
Coding change: c.10380C>T on transcript NM_014611.3 (MANE Select); coding-DNA position 10380, C replaced by T.
Protein change: p.Cys3460=; no amino-acid change (cysteine 3460 retained).
Molecular consequence: synonymous variant.
Genome position (GRCh38, 1-based): chr6:89,692,650, G>A on the plus strand (C>T on the coding strand, the complement: MDN1 is on the minus strand). VCF-style: chr6-89692650-G-A. GRCh37 (hg19) VCF-style: chr6-90402369-G-A.
Identifiers: ClinVar variation 3048981 (VCV003048981.2), dbSNP rs200560830, ClinGen allele CA3923598.
Genomic context (GRCh38, chr6:89,692,650, plus strand): 5'-TCCTGAGCGCTTGAGGATTAGCTTCCCAAGGCCTCGTAGAACCTCCTCAGACTTCACCGA[G>A]CACAAAGTGTCTGCATGAGCATAGTAAGTCGGGAAGGTGGGGCCCACCGATGGGAAAGCC-3'
Protein context (NP_055426.1, residues 3450-3470): PTYYAHADTL[Cys3460=]SVKSEEVLRG

ClinVar aggregate classification (germline): Benign (0 of 4 stars; one submission).

Conditions:
MDN1-related disorder. Also called: MDN1-related condition.

Allele frequency attached by ClinVar (database versions not stated): ESP Exome Variant Server 0.00008; TOPMed 0.00011; gnomAD 0.00056; gnomAD exomes 0.00109; ExAC 0.00248; 1000 Genomes Project 30x 0.00375; 1000 Genomes Project 0.00399.
gnomAD v4.1: 1,677 of 1,614,218 alleles (0.1%); highest among the groups gnomAD compares: South Asian, 1.7%; 29 homozygotes.

Submission:

PreventionGenetics, part of Exact Sciences
Classification: Benign for MDN1-related condition. Last evaluated: 2019-11-20. Review status: no assertion criteria provided. Collection method: clinical testing. Allele origin: germline.
Comment: This variant is classified as benign based on ACMG/AMP sequence variant interpretation guidelines (Richards et al. 2015 PMID: 25741868, with internal and published modifications).